The following is an entry in ClinVar:

NM_001252102.2(KIF21B):c.1010dup (p.Asn338fs)

Gene: KIF21B (kinesin family member 21B; minus strand). Cytogenetic location: 1q32.1.
Variant type: Duplication.
Coding change: c.1010dup on transcript NM_001252102.2 (MANE Select); coding-DNA position 1010, one base duplicated (G; older notation c.1010dupG).
Protein change: p.Asn338fs; shifts the reading frame from asparagine 338.
Molecular consequence: frameshift variant.
Genome position (GRCh38, 1-based): chr1:201,004,346, C duplicated on the plus strand (G on the coding strand, the reverse complement: KIF21B is on the minus strand); the first of 6 consecutive C bases (chr1:201,004,346-201,004,351); duplicating any one gives the same sequence. VCF-style (leftmost placement, unchanged base first): chr1-201004345-G-GC. GRCh37 (hg19) VCF-style: chr1-200973473-G-GC.
Other names: c.1010dup, p.Asn338fs (NM_001252100.2, NM_001252103.2, NM_017596.4); short protein forms N338fs.
Identifiers: ClinVar variation 4527969 (VCV004527969.1).

ClinVar aggregate classification (germline): Uncertain significance (1 of 4 stars; one submission).

Submission:

GeneDx
Classification: Uncertain significance. Last evaluated: 2025-04-30. Review status: criteria provided, single submitter. Criteria: GeneDx Variant Classification Process June 2021. Collection method: clinical testing. Allele origin: germline. Affected: yes.
Comment: Frameshift variant predicted to result in protein truncation or nonsense mediated decay in a gene or region of a gene for which loss of function is not a well-established mechanism of disease; Has not been previously published as pathogenic or benign to our knowledge